The following is an entry in ClinVar:

NM_017763.6(RNF43):c.1442_1445delinsT (p.Asn481_Cys482delinsIle)

Gene: RNF43 (ring finger protein 43; minus strand). Cytogenetic location: 17q22.
Variant type: Indel.
Coding change: c.1442_1445delinsT on transcript NM_017763.6 (MANE Select); coding-DNA positions 1442 to 1445, ACTG replaced by T.
Protein change: p.Asn481_Cys482delinsIle.
Molecular consequence: inframe indel.
Genome position (GRCh38, 1-based): chr17:58,358,331-58,358,334, CAGT replaced by A on the plus strand (ACTG replaced by T on the coding strand, the reverse complement: RNF43 is on the minus strand). VCF-style: chr17-58358331-CAGT-A. GRCh37 (hg19) VCF-style: chr17-56435692-CAGT-A.
Other names: c.1442_1445delACTGinsT, p.Asn481_Cys482delinsIle (NM_001305544.3); c.1061_1064delACTGinsT, p.Asn354_Cys355delinsIle (NM_001305545.2).
Identifiers: ClinVar variation 3360941 (VCV003360941.1).

ClinVar aggregate classification (germline): Uncertain significance (1 of 4 stars; one submission).

Submission:

GeneDx
Classification: Uncertain significance. Last evaluated: 2023-07-10. Review status: criteria provided, single submitter. Criteria: GeneDx Variant Classification Process June 2021. Collection method: clinical testing. Allele origin: germline. Affected: yes.
Comment: Not observed at significant frequency in large population cohorts (gnomAD); In-frame deletion of two amino acids and the insertion of one incorrect amino acid in a non-repeat region; In silico analysis supports that this variant does not alter protein structure/function; Has not been previously published as pathogenic or benign to our knowledge; Variants in candidate genes are classified as variants of uncertain significance in accordance with ACMG guidelines (Richards et al., 2015)